The following is an entry in ClinVar:

ClinVar aggregate classification (germline): Pathogenic (1 of 4 stars; one submission).

Submission:

Labcorp Genetics (formerly Invitae), Labcorp
Classification: Pathogenic. Last evaluated: 2023-08-25. Review status: criteria provided, single submitter. Criteria: Invitae Variant Classification Sherloc (09022015). Collection method: clinical testing. Allele origin: unknown.
Comment: For these reasons, this variant has been classified as Pathogenic. This variant disrupts a region of the OTOF protein in which other variant(s) (p.Arg1939Gln) have been determined to be pathogenic (PMID: 23562982, 34536124). This suggests that this is a clinically significant region of the protein, and that variants that disrupt it are likely to be disease-causing. This variant has not been reported in the literature in individuals affected with OTOF-related conditions. This variant is a gross deletion of the genomic region encompassing exon(s) 44-47 of the OTOF gene, which includes the termination codon. This deletion extends beyond the assayed region for this gene and therefore may encompass additional genes. While this deletion is not anticipated to lead to nonsense mediated decay, it is expected to alter mRNA translation or result in a truncated protein product.

Literature cited by the submitters: PubMed 23562982; PubMed 34536124.

NC_000002.11:g.(?_26680908)_(26683918_?)del

Gene: OTOF (otoferlin; minus strand). Cytogenetic location: 2p23.3.
Variant type: Deletion.
Identifiers: ClinVar variation 3247611 (VCV003247611.1).